The following is an entry in ClinVar:

ClinVar aggregate classification (germline): Likely benign. Review status: criteria provided, multiple submitters, no conflicts (2 of 4 stars). 3 submissions from 3 submitters: Likely benign (2). 1 of the submissions does not count toward it. Last evaluated 2025-11-10.

Conditions:
Hereditary cancer-predisposing syndrome. Also called: Neoplastic Syndromes, Hereditary; Tumor predisposition; Hereditary Cancer Syndrome; Hereditary neoplastic syndrome. Identifiers: Orphanet 140162, MedGen C0027672, MeSH D009386, MONDO:0015356.
POLE-related disorder. Also called: POLE-related disorders; POLE-related condition.

Allele frequency attached by ClinVar (database versions not stated): gnomAD exomes below 0.00001; TOPMed 0.00001.
gnomAD v4.1: 4 of 1,594,128 alleles (0.00025%); highest among the groups gnomAD compares: South Asian, 0.0011%; no homozygotes.

Submissions (3):

Labcorp Genetics (formerly Invitae), Labcorp
Classification: Likely benign. Last evaluated: 2025-11-10. Review status: criteria provided, single submitter. Criteria: Invitae Variant Classification Sherloc (09022015). Collection method: clinical testing. Allele origin: germline.

Ambry Genetics
Classification: Likely benign for Hereditary cancer-predisposing syndrome. Last evaluated: 2015-12-09. Review status: criteria provided, single submitter. Criteria: Ambry Variant Classification Scheme 2023. Collection method: clinical testing. Allele origin: germline.

PreventionGenetics, part of Exact Sciences
Classification: Likely benign for POLE-related condition. Last evaluated: 2022-04-18. Review status: no assertion criteria provided. Collection method: clinical testing. Allele origin: germline. Not counted in ClinVar's aggregate classification.
Comment: This variant is classified as likely benign based on ACMG/AMP sequence variant interpretation guidelines (Richards et al. 2015 PMID: 25741868, with internal and published modifications).

NM_006231.4(POLE):c.4572C>T (p.Pro1524=)

Gene: POLE (DNA polymerase epsilon, catalytic subunit; minus strand). Cytogenetic location: 12q24.33.
Variant type: single nucleotide variant.
Coding change: c.4572C>T on transcript NM_006231.4 (MANE Select); coding-DNA position 4572, C replaced by T.
Protein change: p.Pro1524=; no amino-acid change (proline 1524 retained).
Molecular consequence: synonymous variant.
Genome position (GRCh38, 1-based): chr12:132,642,976, G>A on the plus strand (C>T on the coding strand, the complement: POLE is on the minus strand). VCF-style: chr12-132642976-G-A. GRCh37 (hg19) VCF-style: chr12-133219562-G-A.
Identifiers: ClinVar variation 484459 (VCV000484459.16), dbSNP rs766050469, ClinGen allele CA246304162.